The following is an entry in ClinVar:

NM_006828.4(ASCC3):c.4125G>A (p.Ala1375=)

Gene: ASCC3 (activating signal cointegrator 1 complex subunit 3; minus strand). Cytogenetic location: 6q16.3.
Variant type: single nucleotide variant.
Coding change: c.4125G>A on transcript NM_006828.4 (MANE Select); coding-DNA position 4125, G replaced by A.
Protein change: p.Ala1375=; no amino-acid change (alanine 1375 retained).
Molecular consequence: synonymous variant.
Genome position (GRCh38, 1-based): chr6:100,631,211, C>T on the plus strand (G>A on the coding strand, the complement: ASCC3 is on the minus strand). VCF-style: chr6-100631211-C-T. GRCh37 (hg19) VCF-style: chr6-101079087-C-T.
Identifiers: ClinVar variation 3771501 (VCV003771501.13).

ClinVar aggregate classification (germline): Likely benign (1 of 4 stars; one submission).

gnomAD v4.1: 14 of 1,609,844 alleles (0.00087%); highest among the groups gnomAD compares: East Asian, 0.0067%; no homozygotes.

Submission:

CeGaT Center for Human Genetics Tuebingen
Classification: Likely benign. Last evaluated: 2024-12-01. Review status: criteria provided, single submitter. Criteria: CeGaT Center For Human Genetics Tuebingen Variant Classification Criteria Version 2. Collection method: clinical testing. Allele origin: germline. Affected: yes. Observed: 1 variant allele.
Comment: ASCC3: BP4, BP7